The following is an entry in ClinVar:

NM_003235.5(TG):c.6056-7A>C

Gene: TG (thyroglobulin; plus strand). Cytogenetic location: 8q24.22.
Variant type: single nucleotide variant.
Coding change: c.6056-7A>C on transcript NM_003235.5 (MANE Select); 7 bases into the intron before coding-DNA position 6056, A replaced by C.
Molecular consequence: intron variant.
Genome position (GRCh38, 1-based): chr8:132,972,591, A>C. VCF-style: chr8-132972591-A-C. GRCh37 (hg19) VCF-style: chr8-133984836-A-C.
Other names: c.6056-7A>C (NM_003235.4).
Identifiers: ClinVar variation 4711149 (VCV004711149.2).

ClinVar aggregate classification (germline): Likely benign. Review status: criteria provided, multiple submitters, no conflicts (2 of 4 stars). 2 submissions from 2 submitters: Likely benign (2). Last evaluated 2025-10-22.

Conditions:
TG-related disorder. Also called: TG-related condition; TG-related disorders.

Submissions (2):

Labcorp Genetics (formerly Invitae), Labcorp
Classification: Likely benign. Last evaluated: 2025-10-22. Review status: criteria provided, single submitter. Criteria: Invitae Variant Classification Sherloc (09022015). Collection method: clinical testing. Allele origin: germline.

PreventionGenetics, part of Exact Sciences
Classification: Likely benign for TG-related condition. Last evaluated: 2024-11-13. Review status: criteria provided, single submitter. Criteria: ACMG Guidelines, 2015. Collection method: clinical testing. Allele origin: germline.
Comment: This variant is classified as likely benign based on ACMG/AMP sequence variant interpretation guidelines (Richards et al. 2015 PMID: 25741868, with internal and published modifications).